The following is an entry in ClinVar:

NM_005554.4(KRT6A):c.1326C>T (p.Ala442=)

Gene: KRT6A (keratin 6A; minus strand). Cytogenetic location: 12q13.13.
Variant type: single nucleotide variant.
Coding change: c.1326C>T on transcript NM_005554.4 (MANE Select); coding-DNA position 1326, C replaced by T.
Protein change: p.Ala442=; no amino-acid change (alanine 442 retained).
Molecular consequence: synonymous variant.
Genome position (GRCh38, 1-based): chr12:52,488,426, G>A on the plus strand (C>T on the coding strand, the complement: KRT6A is on the minus strand). VCF-style: chr12-52488426-G-A. GRCh37 (hg19) VCF-style: chr12-52882210-G-A.
Identifiers: ClinVar variation 3040393 (VCV003040393.2), dbSNP rs555046513, ClinGen allele CA6581882.
Genomic context (GRCh38, chr12:52,488,426, plus strand): 5'-GATCTCCACGTCCAGGGCCAGCTTGACATTCATCAGCTCCTGGTACTCCTTCAGCAGCCG[G>A]GCCAGGTCCTGCTTGGCCTTCTGCAGGGCATCCTCCAGCCCTTCCAGCTTGTTCTTGGCA-3'
Protein context (NP_005545.1, residues 432-452): DALQKAKQDL[Ala442=]RLLKEYQELM

ClinVar aggregate classification (germline): Likely benign (0 of 4 stars; one submission).

Conditions:
KRT6A-related disorder. Also called: KRT6A-related condition.

Allele frequency attached by ClinVar (database versions not stated): gnomAD exomes 0.00002; TOPMed 0.00002; gnomAD 0.00005; ExAC 0.00007; 1000 Genomes Project 30x 0.00016; 1000 Genomes Project 0.00020.
gnomAD v4.1: 33 of 1,614,110 alleles (0.002%); highest among the groups gnomAD compares: East Asian, 0.069%; no homozygotes.

Submission:

PreventionGenetics, part of Exact Sciences
Classification: Likely benign for KRT6A-related condition. Last evaluated: 2019-10-01. Review status: no assertion criteria provided. Collection method: clinical testing. Allele origin: germline.
Comment: This variant is classified as likely benign based on ACMG/AMP sequence variant interpretation guidelines (Richards et al. 2015 PMID: 25741868, with internal and published modifications).